The following is an entry in ClinVar:

ClinVar aggregate classification (germline): Uncertain significance (1 of 4 stars; one submission).

Conditions:
Inborn genetic diseases. Identifiers: MedGen C0950123, MeSH D030342.

Submission:

Ambry Genetics
Classification: Uncertain significance for Inborn genetic diseases. Last evaluated: 2026-08-15. Review status: criteria provided, single submitter. Criteria: Ambry Variant Classification Scheme 2023. Collection method: clinical testing. Allele origin: germline.
Comment: The p.P112R variant (also known as c.335C>G), located in coding exon 1 of the FANCM gene, results from a C to G substitution at nucleotide position 335. The proline at codon 112 is replaced by arginine, an amino acid with dissimilar properties. This amino acid position is conserved. In addition, this alteration is predicted to be deleterious by in silico analysis. Based on the available evidence, the clinical significance of this variant remains unclear.

NM_020937.4(FANCM):c.335C>G (p.Pro112Arg)

Gene: FANCM (FA complementation group M; plus strand). Cytogenetic location: 14q21.2.
Variant type: single nucleotide variant.
Coding change: c.335C>G on transcript NM_020937.4 (MANE Select); coding-DNA position 335, C replaced by G.
Protein change: p.Pro112Arg; replaces proline 112 with arginine.
Molecular consequence: missense variant.
Genome position (GRCh38, 1-based): chr14:45,136,366, C>G. VCF-style: chr14-45136366-C-G. GRCh37 (hg19) VCF-style: chr14-45605569-C-G.
Other names: c.335C>G, p.Pro112Arg (NM_001308133.2, NM_001308134.2); short protein forms P112R.
Identifiers: ClinVar variation 5021496 (VCV005021496.1).